The following is an entry in ClinVar:

NC_000021.8:g.(?_45647421)_(47865240_?)dup

Genes: ADARB1 (adenosine deaminase RNA specific B1; plus strand), AIRE (autoimmune regulator; plus strand), C21orf58 (chromosome 21 open reading frame 58; minus strand), CFAP410 (cilia and flagella associated protein 410; minus strand), COL18A1 (collagen type XVIII alpha 1 chain; plus strand) and 41 more. Cytogenetic location: 21q22.3.
Variant type: Duplication.
Identifiers: ClinVar variation 3248201 (VCV003248201.1).

ClinVar aggregate classification (germline): Uncertain significance (1 of 4 stars; one submission).

Submission:

Labcorp Genetics (formerly Invitae), Labcorp
Classification: Uncertain significance. Last evaluated: 2024-01-23. Review status: criteria provided, single submitter. Criteria: Invitae Variant Classification Sherloc (09022015). Collection method: clinical testing. Allele origin: unknown.
Comment: A copy number gain of the genomic region encompassing the full coding sequence of the ICOSLG gene has been identified. The boundaries of this event are unknown as they extend beyond the assayed region for this gene and therefore may encompass additional genes. As the precise location of this event is unknown, it may be in tandem or it may be located elsewhere in the genome. This variant has not been reported in the literature in individuals affected with ICOSLG-related conditions. In summary, the available evidence is currently insufficient to determine the role of this variant in disease. Therefore, it has been classified as a Variant of Uncertain Significance.